The following is an entry in ClinVar:

NM_001378418.1(TCF20):c.2661C>T (p.His887=)

Gene: TCF20 (transcription factor 20; minus strand). Cytogenetic location: 22q13.2.
Variant type: single nucleotide variant.
Coding change: c.2661C>T on transcript NM_001378418.1 (MANE Select); coding-DNA position 2661, C replaced by T.
Protein change: p.His887=; no amino-acid change (histidine 887 retained).
Molecular consequence: synonymous variant.
Genome position (GRCh38, 1-based): chr22:42,212,645, G>A on the plus strand (C>T on the coding strand, the complement: TCF20 is on the minus strand). VCF-style: chr22-42212645-G-A. GRCh37 (hg19) VCF-style: chr22-42608651-G-A.
Other names: c.2661C>T (NM_005650.1); c.2661C>T, p.His887= (NM_005650.4, NM_181492.3).
Identifiers: ClinVar variation 729353 (VCV000729353.15), dbSNP rs201660335, ClinGen allele CA10266984.

ClinVar aggregate classification (germline): Benign. Review status: criteria provided, multiple submitters, no conflicts (2 of 4 stars). 4 submissions from 4 submitters: Benign (3). 1 of the submissions does not count toward it. Last evaluated 2026-01-08.

Conditions:
TCF20-related disorder. Also called: TCF20-related condition.

Allele frequency attached by ClinVar (database versions not stated): gnomAD 0.00004 and 0.00175; TOPMed 0.00040; gnomAD exomes 0.00311 and 0.00654; ExAC 0.00756; 1000 Genomes Project 30x 0.01359; 1000 Genomes Project 0.01418.
gnomAD v4.1: 4,865 of 1,614,160 alleles (0.3%); highest among the groups gnomAD compares: South Asian, 5%; 163 homozygotes.

Submissions (4):

Labcorp Genetics (formerly Invitae), Labcorp
Classification: Benign. Last evaluated: 2026-01-08. Review status: criteria provided, single submitter. Criteria: Invitae Variant Classification Sherloc (09022015). Collection method: clinical testing. Allele origin: germline.

GeneDx
Classification: Benign. Last evaluated: 2015-03-03. Review status: criteria provided, single submitter. Criteria: GeneDx Variant Classification Process June 2021. Collection method: clinical testing. Allele origin: germline. Affected: yes.

Breakthrough Genomics
Classification: Benign. Review status: criteria provided, single submitter. Criteria: ACMG Guidelines, 2015. Collection method: not provided. Allele origin: germline. Inheritance: Autosomal dominant inheritance. Affected: yes.

PreventionGenetics, part of Exact Sciences
Classification: Benign for TCF20-related condition. Last evaluated: 2019-03-19. Review status: no assertion criteria provided. Collection method: clinical testing. Allele origin: germline. Not counted in ClinVar's aggregate classification.
Comment: This variant is classified as benign based on ACMG/AMP sequence variant interpretation guidelines (Richards et al. 2015 PMID: 25741868, with internal and published modifications).